The following is an entry in ClinVar:

ClinVar aggregate classification (germline): Uncertain significance. Review status: criteria provided, multiple submitters, no conflicts (2 of 4 stars). 3 submissions from 3 submitters: Uncertain significance (3). Last evaluated 2024-12-16.

Conditions:
Hereditary cancer-predisposing syndrome. Also called: Hereditary neoplastic syndrome; Hereditary Cancer Syndrome; Neoplastic Syndromes, Hereditary; Tumor predisposition. Identifiers: Orphanet 140162, MedGen C0027672, MeSH D009386, MONDO:0015356.
Familial cancer of breast. Also called: hereditary breast carcinoma; BREAST CANCER, FAMILIAL; Hereditary breast cancer. Identifiers: Orphanet 227535, MedGen C0346153, MONDO:0016419, OMIM 114480. Disease mechanism: loss of function.

Allele frequency attached by ClinVar (database versions not stated): gnomAD exomes below 0.00001.
gnomAD v4.1: 1 of 1,613,766 alleles (0.000062%); highest among the groups gnomAD compares: Non-Finnish European, 0.000085%; no homozygotes.

Submissions (3):

Labcorp Genetics (formerly Invitae), Labcorp
Classification: Uncertain significance for Familial cancer of breast. Last evaluated: 2024-12-16. Review status: criteria provided, single submitter. Criteria: Invitae Variant Classification Sherloc (09022015). Collection method: clinical testing. Allele origin: germline.
Comment: This sequence change replaces aspartic acid, which is acidic and polar, with asparagine, which is neutral and polar, at codon 1177 of the PALB2 protein (p.Asp1177Asn). This variant is not present in population databases (gnomAD no frequency). This variant has not been reported in the literature in individuals affected with PALB2-related conditions. ClinVar contains an entry for this variant (Variation ID: 2773991). An algorithm developed to predict the effect of missense changes on protein structure and function outputs the following: PolyPhen-2: "Possibly Damaging". The asparagine amino acid residue is found in multiple mammalian species, which suggests that this missense change does not adversely affect protein function. In summary, the available evidence is currently insufficient to determine the role of this variant in disease. Therefore, it has been classified as a Variant of Uncertain Significance.

Ambry Genetics
Classification: Uncertain significance for Hereditary cancer-predisposing syndrome. Last evaluated: 2023-09-16. Review status: criteria provided, single submitter. Criteria: Ambry Variant Classification Scheme 2023. Collection method: clinical testing. Allele origin: germline.
Comment: The p.D1177N variant (also known as c.3529G>A), located in coding exon 13 of the PALB2 gene, results from a G to A substitution at nucleotide position 3529. The aspartic acid at codon 1177 is replaced by asparagine, an amino acid with highly similar properties. This amino acid position is conserved. In addition, this alteration is predicted to be tolerated by in silico analysis. Since supporting evidence is limited at this time, the clinical significance of this alteration remains unclear.

Color Diagnostics, LLC DBA Color Health
Classification: Uncertain significance for Hereditary cancer-predisposing syndrome. Last evaluated: 2022-11-21. Review status: criteria provided, single submitter. Criteria: ACMG Guidelines, 2015. Collection method: clinical testing. Allele origin: germline.
Comment: This missense variant replaces aspartic acid with asparagine at codon 1177 of the PALB2 protein. Computational prediction suggests that this variant may not impact protein structure and function (internally defined REVEL score threshold <= 0.5, PMID: 27666373). To our knowledge, functional studies have not been reported for this variant. This variant has not been reported in individuals affected with PALB2-related disorders in the literature. This variant has not been identified in the general population by the Genome Aggregation Database (gnomAD). The available evidence is insufficient to determine the role of this variant in disease conclusively. Therefore, this variant is classified as a Variant of Uncertain Significance.

NM_024675.4(PALB2):c.3529G>A (p.Asp1177Asn)

Gene: PALB2 (partner and localizer of BRCA2; minus strand). Cytogenetic location: 16p12.2.
Variant type: single nucleotide variant.
Coding change: c.3529G>A on transcript NM_024675.4 (MANE Select); coding-DNA position 3529, G replaced by A.
Protein change: p.Asp1177Asn; replaces aspartic acid 1177 with asparagine.
Molecular consequence: missense variant. On other transcripts: 3 prime UTR variant (5).
Genome position (GRCh38, 1-based): chr16:23,603,491, C>T on the plus strand (G>A on the coding strand, the complement: PALB2 is on the minus strand). VCF-style: chr16-23603491-C-T. GRCh37 (hg19) VCF-style: chr16-23614812-C-T.
Other names: c.3469G>A, p.Asp1157Asn (NM_001407296.1); c.3457G>A, p.Asp1153Asn (NM_001407297.1); c.3367G>A, p.Asp1123Asn (NM_001407298.1); c.3292G>A, p.Asp1098Asn (NM_001407299.1); c.3250G>A, p.Asp1084Asn (NM_001407300.1); c.*164G>A (NM_001407301.1, NM_001407302.1, NM_001407310.1 and 2 more transcripts); c.2644G>A, p.Asp882Asn (NM_001407304.1, NM_001407305.1, NM_001407306.1); c.2482G>A, p.Asp828Asn (NM_001407307.1); and 3 more; short protein forms D1084N, D1098N, D1123N, D1153N, D882N, D355N, D1157N, D581N.
Identifiers: ClinVar variation 2773991 (VCV002773991.5), dbSNP rs2506195372, ClinGen allele CA395137794.
Genomic context (GRCh38, chr16:23,603,491, plus strand): 5'-GAAAATTGTGTTTTCACTTTACCCTAACTTATGAATAGTGGTATACAAATATATTTCCAT[C>T]TTTTTGTCCAGCCAGCAAATGAGAGTCTGTACCCGACCATTTCACAAAAGACCAATGTTG-3'
Protein context (NP_078951.2, residues 1167-1186): TDSHLLAGQK[Asp1177Asn]GNIFVYHYS